The following is an entry in ClinVar:

NM_001111.5(ADAR):c.3255_3256del (p.Asp1087fs)

Gene: ADAR (adenosine deaminase RNA specific; minus strand). Cytogenetic location: 1q21.3.
Variant type: Deletion.
Coding change: c.3255_3256del on transcript NM_001111.5 (MANE Select); coding-DNA positions 3255 to 3256, 2 bases deleted (AA; older notation c.3255_3256delAA).
Protein change: p.Asp1087fs; shifts the reading frame from aspartic acid 1087.
Molecular consequence: frameshift variant.
Genome position (GRCh38, 1-based): chr1:154,585,812-154,585,813, TT deleted on the plus strand (AA on the coding strand, the reverse complement: ADAR is on the minus strand). VCF-style (leftmost placement, unchanged base first): chr1-154585811-CTT-C. GRCh37 (hg19) VCF-style: chr1-154558287-CTT-C.
Other names: c.2370_2371del, p.Asp792fs (NM_001025107.3, NM_001193495.2, NM_001365046.1 and 2 more transcripts); c.3282_3283del, p.Asp1096fs (NM_001365045.1); c.2292_2293del, p.Asp766fs (NM_001365049.1); c.3177_3178del, p.Asp1061fs (NM_015840.4); c.3120_3121del, p.Asp1042fs (NM_015841.4); short protein forms D1042fs, D792fs, D1061fs, D1087fs, D766fs, D1096fs.
Identifiers: ClinVar variation 2228217 (VCV002228217.2), dbSNP rs1349262891, ClinGen allele CA526410756.

ClinVar aggregate classification (germline): Pathogenic (1 of 4 stars; one submission).

Conditions:
Inborn genetic diseases. Identifiers: MedGen C0950123, MeSH D030342.

Allele frequency attached by ClinVar (database versions not stated): gnomAD exomes below 0.00001; TOPMed 0.00001; gnomAD 0.00002.

Submission:

Ambry Genetics
Classification: Pathogenic for Inborn genetic diseases. Last evaluated: 2020-11-09. Review status: criteria provided, single submitter. Criteria: Ambry Variant Classification Scheme 2023. Collection method: clinical testing. Allele origin: germline.
Comment: The c.3255_3256delAA (p.D1087Wfs*5) alteration, located in coding exon 13 of the ADAR gene, consists of a deletion of 2 nucleotides from position 3255 to 3256, causing a translational frameshift with a predicted alternate stop codon after 5 amino acids. This alteration is expected to result in loss of function by premature protein truncation or nonsense-mediated mRNA decay. Based on data from the Genome Aggregation Database (gnomAD) database, the ADAR c.3255_3256delAA alteration was observed in 0.0007% (2/282710) of total alleles studied, with a frequency of 0.0016% (2/129020) in the European (non-Finnish) subpopulation. Based on the available evidence, this alteration is classified as pathogenic.